The following is an entry in ClinVar:

ClinVar aggregate classification (germline): Uncertain significance. Review status: criteria provided, multiple submitters, no conflicts (2 of 4 stars). 2 submissions from 2 submitters: Uncertain significance (2). Last evaluated 2025-03-26.

Conditions:
Early Myoclonic Encephalopathy. Identifiers: MedGen C0270855.

Allele frequency attached by ClinVar (database versions not stated): TOPMed below 0.00001.

Submissions (2):

Ambry Genetics
Classification: Uncertain significance. Last evaluated: 2025-03-26. Review status: criteria provided, single submitter. Criteria: Ambry Variant Classification Scheme 2023. Collection method: clinical testing. Allele origin: germline.

Labcorp Genetics (formerly Invitae), Labcorp
Classification: Uncertain significance for Early Myoclonic Encephalopathy. Last evaluated: 2020-06-25. Review status: criteria provided, single submitter. Criteria: Invitae Variant Classification Sherloc (09022015). Collection method: clinical testing. Allele origin: germline.
Comment: In summary, the available evidence is currently insufficient to determine the role of this variant in disease. Therefore, it has been classified as a Variant of Uncertain Significance. Algorithms developed to predict the effect of missense changes on protein structure and function output the following: SIFT: "Tolerated"; PolyPhen-2: "Benign"; Align-GVGD: "Class C0". The methionine amino acid residue is found in multiple mammalian species, suggesting that this missense change does not adversely affect protein function. These predictions have not been confirmed by published functional studies and their clinical significance is uncertain. This variant has not been reported in the literature in individuals with JMJD1C-related conditions. This variant is not present in population databases (ExAC no frequency). This sequence change replaces isoleucine with methionine at codon 437 of the JMJD1C protein (p.Ile437Met). The isoleucine residue is weakly conserved and there is a small physicochemical difference between isoleucine and methionine.

NM_032776.3(JMJD1C):c.1311A>G (p.Ile437Met)

Gene: JMJD1C (jumonji domain containing 1C; minus strand). Cytogenetic location: 10q21.3.
Variant type: single nucleotide variant.
Coding change: c.1311A>G on transcript NM_032776.3 (MANE Select); coding-DNA position 1311, A replaced by G.
Protein change: p.Ile437Met; replaces isoleucine 437 with methionine.
Molecular consequence: missense variant. On other transcripts: non-coding transcript variant (1).
Genome position (GRCh38, 1-based): chr10:63,214,856, T>C on the plus strand (A>G on the coding strand, the complement: JMJD1C is on the minus strand). VCF-style: chr10-63214856-T-C. GRCh37 (hg19) VCF-style: chr10-64974616-T-C.
Other names: c.765A>G, p.Ile255Met (NM_001282948.2, NM_001318154.2); c.447A>G, p.Ile149Met (NM_001318153.2); c.1197A>G, p.Ile399Met (NM_001322252.2); c.654A>G, p.Ile218Met (NM_001322254.2, NM_001322258.2); c.1311A>G (NM_032776.1); short protein forms I255M, I149M, I218M, I399M, I437M.
Identifiers: ClinVar variation 1045521 (VCV001045521.9), dbSNP rs1847798734, ClinGen allele CA377050073.